The following is an entry in ClinVar:

ClinVar aggregate classification (germline): Uncertain significance (1 of 4 stars; one submission).

gnomAD v4.1: 1 of 1,549,990 alleles (0.000065%); highest among the groups gnomAD compares: Non-Finnish European, 0.000087%; no homozygotes.

Submission:

Labcorp Genetics (formerly Invitae), Labcorp
Classification: Uncertain significance. Last evaluated: 2025-11-11. Review status: criteria provided, single submitter. Criteria: Invitae Variant Classification Sherloc (09022015). Collection method: clinical testing. Allele origin: germline.
Comment: This sequence change replaces methionine, which is neutral and non-polar, with leucine, which is neutral and non-polar, at codon 431 of the FGFR3 protein (p.Met431Leu). This variant is present in population databases (no rsID available, gnomAD 0.002%). This variant has not been reported in the literature in individuals affected with FGFR3-related conditions. Invitae Evidence Modeling of protein sequence and biophysical properties (such as structural, functional, and spatial information, amino acid conservation, physicochemical variation, residue mobility, and thermodynamic stability) indicates that this missense variant is not expected to disrupt FGFR3 protein function with a negative predictive value of 95%. In summary, the available evidence is currently insufficient to determine the role of this variant in disease. Therefore, it has been classified as a Variant of Uncertain Significance.

NM_000142.5(FGFR3):c.1291A>C (p.Met431Leu)

Gene: FGFR3 (fibroblast growth factor receptor 3; plus strand). Cytogenetic location: 4p16.3.
Variant type: single nucleotide variant.
Coding change: c.1291A>C on transcript NM_000142.5 (MANE Select); coding-DNA position 1291, A replaced by C.
Protein change: p.Met431Leu; replaces methionine 431 with leucine.
Molecular consequence: missense variant. On other transcripts: non-coding transcript variant (1).
Genome position (GRCh38, 1-based): chr4:1,804,848, A>C. VCF-style: chr4-1804848-A-C. GRCh37 (hg19) VCF-style: chr4-1806575-A-C.
Other names: c.1297A>C, p.Met433Leu (NM_001163213.2); c.1294A>C, p.Met432Leu (NM_001354809.2, NM_001354810.2); c.955A>C, p.Met319Leu (NM_022965.4); short protein forms M433L, M432L, M431L, M319L.
Identifiers: ClinVar variation 4690349 (VCV004690349.1).
Genomic context (GRCh38, chr4:1,804,848, plus strand): 5'-CACGCGGCGCCAACCTGCCCCTGCTGACCCAAGCAGGTGTCCCTGGAGTCCAACGCGTCC[A>C]TGAGCTCCAACACACCACTGGTGCGCATCGCAAGGCTGTCCTCAGGGGAGGGCCCCACGC-3'
Protein context (NP_000133.1, residues 421-441): RQVSLESNAS[Met431Leu]SSNTPLVRIA